The following is an entry in ClinVar:

ClinVar aggregate classification (germline): Likely benign (1 of 4 stars; one submission).

Conditions:
BBS5-related disorder. Also called: BBS5-related condition.

Submission:

PreventionGenetics, part of Exact Sciences
Classification: Likely benign for BBS5-related condition. Last evaluated: 2025-09-05. Review status: criteria provided, single submitter. Criteria: ACMG Guidelines, 2015. Collection method: clinical testing. Allele origin: germline.
Comment: This variant is classified as likely benign based on ACMG/AMP sequence variant interpretation guidelines (Richards et al. 2015 PMID: 25741868, with internal and published modifications).

NM_152384.3(BBS5):c.609T>C (p.Tyr203=)

Gene: BBS5 (Bardet-Biedl syndrome 5; plus strand). Cytogenetic location: 2q31.1.
Variant type: single nucleotide variant.
Coding change: c.609T>C on transcript NM_152384.3 (MANE Select); coding-DNA position 609, T replaced by C.
Protein change: p.Tyr203=; no amino-acid change (tyrosine 203 retained).
Molecular consequence: synonymous variant.
Genome position (GRCh38, 1-based): chr2:169,493,827, T>C. VCF-style: chr2-169493827-T-C. GRCh37 (hg19) VCF-style: chr2-170350337-T-C.
Identifiers: ClinVar variation 4992573 (VCV004992573.1).